The following is an entry in ClinVar:

NM_020822.3(KCNT1):c.1066C>G (p.Arg356Gly)

Gene: KCNT1 (potassium sodium-activated channel subfamily T member 1; plus strand). Cytogenetic location: 9q34.3.
Variant type: single nucleotide variant.
Coding change: c.1066C>G on transcript NM_020822.3 (MANE Select); coding-DNA position 1066, C replaced by G.
Protein change: p.Arg356Gly; replaces arginine 356 with glycine.
Molecular consequence: missense variant.
Genome position (GRCh38, 1-based): chr9:135,765,061, C>G. VCF-style: chr9-135765061-C-G. GRCh37 (hg19) VCF-style: chr9-138656907-C-G.
Other names: c.931C>G, p.Arg311Gly (NM_001272003.2); short protein forms R356G, R311G.
Identifiers: ClinVar variation 4790077 (VCV004790077.1).

ClinVar aggregate classification (germline): Uncertain significance (1 of 4 stars; one submission).

Conditions:
Autosomal dominant nocturnal frontal lobe epilepsy 5. Also called: CILIARY DYSKINESIA, PRIMARY, 28, WITHOUT SITUS INVERSUS; CILIARY DYSKINESIA, PRIMARY, 28, WITH SITUS INVERSUS; KCNT1-Related Epilepsy; Epilepsy, nocturnal frontal lobe, 5. Identifiers: Orphanet 98784, MedGen C3554306, MONDO:0014002, OMIM 615005.
Developmental and epileptic encephalopathy, 14 (DEE14). Also called: Early infantile epileptic encephalopathy 14. Identifiers: Orphanet 293181, MedGen C3554195, MONDO:0013989, OMIM 614959.

gnomAD v4.1: 1 of 1,612,896 alleles (0.000062%); highest among the groups gnomAD compares: South Asian, 0.0011%; no homozygotes.

Submission:

Labcorp Genetics (formerly Invitae), Labcorp
Classification: Uncertain significance for Autosomal dominant nocturnal frontal lobe epilepsy 5; Developmental and epileptic encephalopathy, 14. Last evaluated: 2025-09-15. Review status: criteria provided, single submitter. Criteria: Invitae Variant Classification Sherloc (09022015). Collection method: clinical testing. Allele origin: germline.
Comment: This sequence change replaces arginine, which is basic and polar, with glycine, which is neutral and non-polar, at codon 356 of the KCNT1 protein (p.Arg356Gly). This variant is present in population databases (rs752514808, gnomAD 0.003%). This variant has not been reported in the literature in individuals affected with KCNT1-related conditions. Invitae Evidence Modeling of protein sequence and biophysical properties (such as structural, functional, and spatial information, amino acid conservation, physicochemical variation, residue mobility, and thermodynamic stability) has been performed for this missense variant. However, the output from this modeling did not meet the statistical confidence thresholds required to predict the impact of this variant on KCNT1 protein function. This variant disrupts the p.Arg356 amino acid residue in KCNT1. Other variant(s) that disrupt this residue have been determined to be pathogenic (PMID: 25326635, 31532594; internal data). This suggests that this residue is clinically significant, and that variants that disrupt this residue are likely to be disease-causing. In summary, the available evidence is currently insufficient to determine the role of this variant in disease. Therefore, it has been classified as a Variant of Uncertain Significance.

Literature cited by the submitters: PubMed 25326635; PubMed 31532594.